The following is an entry in ClinVar:

NM_001330677.2(TBX15):c.861+14C>G

Gene: TBX15 (T-box transcription factor 15; minus strand). Cytogenetic location: 1p12.
Variant type: single nucleotide variant.
Coding change: c.861+14C>G on transcript NM_001330677.2 (MANE Select); 14 bases into the intron after coding-DNA position 861, C replaced by G.
Molecular consequence: intron variant.
Genome position (GRCh38, 1-based): chr1:118,923,422, G>C on the plus strand (C>G on the coding strand, the complement: TBX15 is on the minus strand). VCF-style: chr1-118923422-G-C. GRCh37 (hg19) VCF-style: chr1-119466045-G-C.
Other names: c.543+14C>G (NM_152380.3).
Identifiers: ClinVar variation 1600982 (VCV001600982.12), dbSNP rs192074581, ClinGen allele CA1034992.
Genomic context (GRCh38, chr1:118,923,422, plus strand): 5'-TAATACCTAAGGAATCTTATGCAGAAGGACCAAAAAACAGATGTAGCAGAAGACTCTCAA[G>C]GGCCACCTCTTACCTGCTGATTCTGATAGGCCGTAACTGTGGTGAACACAGTCTCAGGAA-3'

ClinVar aggregate classification (germline): Benign/Likely benign. Review status: criteria provided, multiple submitters, no conflicts (2 of 4 stars). 4 submissions from 4 submitters: Benign (3); Likely benign (1). Last evaluated 2026-01-28.

Conditions:
Pelviscapular dysplasia. Identifiers: Orphanet 93333, MedGen C1850040, MONDO:0009845, OMIM 260660.

Allele frequency attached by ClinVar (database versions not stated): ESP Exome Variant Server 0.00038; gnomAD 0.00111 and 0.00123; TOPMed 0.00197; ExAC 0.00259; 1000 Genomes Project 0.00359; 1000 Genomes Project 30x 0.00375.
gnomAD v4.1: 1,742 of 1,613,660 alleles (0.11%); highest among the groups gnomAD compares: Admixed American, 1.6%; 16 homozygotes.

Submissions (4):

Labcorp Genetics (formerly Invitae), Labcorp
Classification: Benign. Last evaluated: 2026-01-28. Review status: criteria provided, single submitter. Criteria: Invitae Variant Classification Sherloc (09022015). Collection method: clinical testing. Allele origin: germline.

Genome-Nilou Lab
Classification: Benign for Pelviscapular dysplasia. Last evaluated: 2023-04-11. Review status: criteria provided, single submitter. Criteria: ACMG Guidelines, 2015. Collection method: clinical testing. Allele origin: germline. Affected: no.

GeneDx
Classification: Likely benign. Last evaluated: 2020-01-12. Review status: criteria provided, single submitter. Criteria: GeneDx Variant Classification Process June 2021. Collection method: clinical testing. Allele origin: germline. Affected: yes.
Comment: See Variant Classification Assertion Criteria.

Breakthrough Genomics
Classification: Benign. Review status: criteria provided, single submitter. Criteria: ACMG Guidelines, 2015. Collection method: not provided. Allele origin: germline. Inheritance: Autosomal recessive inheritance. Affected: yes.